The following is an entry in ClinVar:

NM_001013838.3(CARMIL2):c.306C>T (p.Ala102=)

Gene: CARMIL2 (capping protein regulator and myosin 1 linker 2; plus strand). Cytogenetic location: 16q22.1.
Variant type: single nucleotide variant.
Coding change: c.306C>T on transcript NM_001013838.3 (MANE Select); coding-DNA position 306, C replaced by T.
Protein change: p.Ala102=; no amino-acid change (alanine 102 retained).
Molecular consequence: synonymous variant.
Genome position (GRCh38, 1-based): chr16:67,646,242, C>T. VCF-style: chr16-67646242-C-T. GRCh37 (hg19) VCF-style: chr16-67680145-C-T.
Other names: c.306C>T, p.Ala102= (NM_001317026.3); c.306C>T (NM_001013838.1).
Identifiers: ClinVar variation 1363304 (VCV001363304.10), dbSNP rs376435435, ClinGen allele CA8113019.

ClinVar aggregate classification (germline): Likely benign. Review status: criteria provided, multiple submitters, no conflicts (2 of 4 stars). 3 submissions from 3 submitters: Likely benign (2). 1 of the submissions does not count toward it. Last evaluated 2025-11-01.

Conditions:
CARMIL2-related disorder. Also called: CARMIL2-related condition.

Allele frequency attached by ClinVar (database versions not stated): ExAC 0.00002; gnomAD exomes 0.00002; TOPMed 0.00005; gnomAD 0.00006 and 0.00007; ESP Exome Variant Server 0.00008; 1000 Genomes Project 30x 0.00016; 1000 Genomes Project 0.00020.
gnomAD v4.1: 55 of 1,613,730 alleles (0.0034%); highest among the groups gnomAD compares: African/African-American, 0.0067%; no homozygotes.

Submissions (3):

Labcorp Genetics (formerly Invitae), Labcorp
Classification: Likely benign. Last evaluated: 2025-11-01. Review status: criteria provided, single submitter. Criteria: Invitae Variant Classification Sherloc (09022015). Collection method: clinical testing. Allele origin: germline.

Blueprint Genetics
Classification: Likely benign. Last evaluated: 2022-10-06. Review status: criteria provided, single submitter. Criteria: ACMG Guidelines, 2015. Collection method: clinical testing. Allele origin: germline.

PreventionGenetics, part of Exact Sciences
Classification: Likely benign for CARMIL2-related condition. Last evaluated: 2019-03-18. Review status: no assertion criteria provided. Collection method: clinical testing. Allele origin: germline. Not counted in ClinVar's aggregate classification.
Comment: This variant is classified as likely benign based on ACMG/AMP sequence variant interpretation guidelines (Richards et al. 2015 PMID: 25741868, with internal and published modifications).